The following is an entry in ClinVar:

ClinVar aggregate classification (germline): Pathogenic. Review status: criteria provided, multiple submitters, no conflicts (2 of 4 stars). 2 submissions from 2 submitters: Pathogenic (2). Last evaluated 2021-07-10.

Conditions:
Pseudoachondroplastic spondyloepiphyseal dysplasia syndrome (PSACH). Also called: PSEUDOACHONDROPLASTIC DYSPLASIA; Pseudoachondroplasia; COMP-Related Pseudoachondroplasia. Identifiers: Orphanet 750, MedGen C0410538, MONDO:0008322, OMIM 177170.
Abnormality of the skeletal system. Identifiers: MedGen C4021790, HP:0000924.

Submissions (2):

Kariminejad - Najmabadi Pathology & Genetics Center
Classification: Pathogenic for Abnormality of the skeletal system. Last evaluated: 2021-07-10. Review status: criteria provided, single submitter. Criteria: ACMG Guidelines, 2015. Collection method: clinical testing. Allele origin: de novo. Affected: yes.

Clinical Biomedical Laboratory, Shriners Hospital For Children - Canada
Classification: Pathogenic for Pseudoachondroplastic spondyloepiphyseal dysplasia syndrome. Review status: criteria provided, single submitter. Criteria: ACMG Guidelines, 2015. Collection method: clinical testing. Allele origin: germline. Affected: yes.
Comment: This variant is predicted to substitute a cysteine residue by a phenylalanine residue in COMP. The gene is associated with pseudoachondroplasia and multiple epiphyseal dysplasia, which corresponds to the clinical phenotype of the proband. The variant is absent in the Genome Aggregation Database (gnomAD v2.1.1), indicating it is very rare. Computational tools (REVEL: 0.954) suggest that the amino acid change is damaging to protein function. Based on the ACMG variant interpretation guidelines (criteria: PM1, PM2, PM5, PP2, PP3, PP4), the available evidence supports classification of this variant as pathogenic.

NM_000095.3(COMP):c.1403G>T (p.Cys468Phe)

Gene: COMP (cartilage oligomeric matrix protein; minus strand). Cytogenetic location: 19p13.11.
Variant type: single nucleotide variant.
Coding change: c.1403G>T on transcript NM_000095.3 (MANE Select); coding-DNA position 1403, G replaced by T.
Protein change: p.Cys468Phe; replaces cysteine 468 with phenylalanine.
Molecular consequence: missense variant.
Genome position (GRCh38, 1-based): chr19:18,786,051, C>A on the plus strand (G>T on the coding strand, the complement: COMP is on the minus strand). VCF-style: chr19-18786051-C-A. GRCh37 (hg19) VCF-style: chr19-18896861-C-A.
Other names: short protein forms C468F.
Identifiers: ClinVar variation 1180714 (VCV001180714.1), dbSNP rs137852651, ClinGen allele CA404884655.
Genomic context (GRCh38, chr19:18,786,051, plus strand): 5'-GGCACCAGGCGGCAGTTGTCCCGACTGTCAGGGACTCCGTCATTGTCGTCGTCGTCGTCG[C>A]AGGCATCACCCTGGCCATCGTGGTCTGAGTCCTCCTGGGCACTGTTAGGCACCGTGGGAC-3'
Protein context (NP_000086.2, residues 458-478): DSDHDGQGDA[Cys468Phe]DDDDDNDGVP